The following is an entry in ClinVar:

NM_022725.4(FANCF):c.182G>T (p.Arg61Leu)

Gene: FANCF (FA complementation group F; minus strand). Cytogenetic location: 11p14.3.
Variant type: single nucleotide variant.
Coding change: c.182G>T on transcript NM_022725.4 (MANE Select); coding-DNA position 182, G replaced by T.
Protein change: p.Arg61Leu; replaces arginine 61 with leucine.
Molecular consequence: missense variant.
Genome position (GRCh38, 1-based): chr11:22,625,629, C>A on the plus strand (G>T on the coding strand, the complement: FANCF is on the minus strand). VCF-style: chr11-22625629-C-A. GRCh37 (hg19) VCF-style: chr11-22647175-C-A.
Other names: short protein forms R61L.
Identifiers: ClinVar variation 1436914 (VCV001436914.3), dbSNP rs779046357, ClinGen allele CA5924412.

ClinVar aggregate classification (germline): Uncertain significance (1 of 4 stars; one submission).

Conditions:
Fanconi anemia (FA). Also called: Fanconi's anemia. Identifiers: Orphanet 84, MedGen C0015625, MeSH D005199, MONDO:0019391.

Allele frequency attached by ClinVar (database versions not stated): ExAC 0.00001; gnomAD exomes 0.00001; TOPMed 0.00003; gnomAD 0.00001.
gnomAD v4.1: 7 of 1,613,816 alleles (0.00043%); highest among the groups gnomAD compares: East Asian, 0.0067%; no homozygotes.

Submission:

Labcorp Genetics (formerly Invitae), Labcorp
Classification: Uncertain significance for Fanconi anemia. Last evaluated: 2022-05-20. Review status: criteria provided, single submitter. Criteria: Invitae Variant Classification Sherloc (09022015). Collection method: clinical testing. Allele origin: germline.
Comment: This sequence change replaces arginine, which is basic and polar, with leucine, which is neutral and non-polar, at codon 61 of the FANCF protein (p.Arg61Leu). This variant is present in population databases (rs779046357, gnomAD 0.006%). This variant has not been reported in the literature in individuals affected with FANCF-related conditions. Algorithms developed to predict the effect of missense changes on protein structure and function are either unavailable or do not agree on the potential impact of this missense change (SIFT: "Tolerated"; PolyPhen-2: "Probably Damaging"; Align-GVGD: "Class C0"). In summary, the available evidence is currently insufficient to determine the role of this variant in disease. Therefore, it has been classified as a Variant of Uncertain Significance.